The following is an entry in ClinVar:

ClinVar aggregate classification (germline): Likely benign. Review status: criteria provided, multiple submitters, no conflicts (2 of 4 stars). 2 submissions from 2 submitters: Likely benign (2). Last evaluated 2026-01-31.

Conditions:
Curry-Hall syndrome (WAD). Also called: WEYERS ACRODENTAL DYSOSTOSIS. Identifiers: Orphanet 952, MedGen C0457013, MONDO:0008673, OMIM 193530.
Ellis-van Creveld syndrome (EVC). Also called: EVC-Related Ellis-van Creveld Syndrome; EVC2-Related Ellis-van Creveld Syndrome; Chondroectodermal dysplasia; MESOECTODERMAL DYSPLASIA. Identifiers: Orphanet 289, MedGen C0013903, MONDO:0009162, OMIM 225500.

Submissions (2):

Labcorp Genetics (formerly Invitae), Labcorp
Classification: Likely benign for Curry-Hall syndrome; Ellis-van Creveld syndrome. Last evaluated: 2026-01-31. Review status: criteria provided, single submitter. Criteria: Invitae Variant Classification Sherloc (09022015). Collection method: clinical testing. Allele origin: germline.

Women's Health and Genetics/Laboratory Corporation of America, LabCorp
Classification: Likely benign. Last evaluated: 2024-06-14. Review status: criteria provided, single submitter. Criteria: LabCorp Variant Classification Summary - May 2015. Collection method: clinical testing. Allele origin: germline.
Comment: Variant summary: EVC c.2562-13_2562-12delinsCC alters a nucleotide located at a position not widely known to affect splicing. Consensus agreement among computation tools predict no significant impact on normal splicing. However, these predictions have yet to be confirmed by functional studies. While this c.2562-13_2562-12delinsCC was absent in gnomAD, its subcomponent variants c.2562-12T>C and c.2565-13T>C were each present at a frequency of 0.000073. The available data on variant occurrences in the general population are insufficient to allow any conclusion about variant significance. To our knowledge, no occurrence of c.2562-13_2562-12delinsCC in individuals affected with EVC-related conditions and no experimental evidence demonstrating its impact on protein function have been reported. ClinVar contains an entry for this variant (Variation ID: 1631066). Based on the evidence outlined above, the variant was classified as likely benign.

NM_153717.3(EVC):c.2562-13_2562-12delinsCC

Gene: EVC (EvC ciliary complex subunit 1; plus strand). Cytogenetic location: 4p16.2.
Variant type: Indel.
Coding change: c.2562-13_2562-12delinsCC on transcript NM_153717.3 (MANE Select); 13 bases into the intron before coding-DNA position 2562 through 12 bases into the intron before coding-DNA position 2562, TT replaced by CC.
Molecular consequence: intron variant.
Genome position (GRCh38, 1-based): chr4:5,808,188-5,808,189, TT replaced by CC. VCF-style: chr4-5808188-TT-CC. GRCh37 (hg19) VCF-style: chr4-5809915-TT-CC.
Other names: c.2562-13_2562-12delinsCC (NM_001306090.2).
Identifiers: ClinVar variation 1631066 (VCV001631066.10), dbSNP rs2152387572, ClinGen allele CA2573138270.